The following is an entry in ClinVar:

NM_001177693.2(ARHGEF28):c.4172C>A (p.Thr1391Asn)

Gene: ARHGEF28 (Rho guanine nucleotide exchange factor 28; plus strand). Cytogenetic location: 5q13.2.
Variant type: single nucleotide variant.
Coding change: c.4172C>A on transcript NM_001177693.2 (MANE Select); coding-DNA position 4172, C replaced by A.
Protein change: p.Thr1391Asn; replaces threonine 1391 with asparagine.
Molecular consequence: missense variant.
Genome position (GRCh38, 1-based): chr5:73,909,422, C>A. VCF-style: chr5-73909422-C-A. GRCh37 (hg19) VCF-style: chr5-73205247-C-A.
Other names: c.4172C>A, p.Thr1391Asn (NM_001080479.3, NM_001388078.1); c.3233C>A, p.Thr1078Asn (NM_001244364.2); c.3878C>A, p.Thr1293Asn (NM_001388076.1); short protein forms T1078N, T1293N, T1391N.
Identifiers: ClinVar variation 3042936 (VCV003042936.17), dbSNP rs61756686, ClinGen allele CA3305312.

ClinVar aggregate classification (germline): Likely benign. Review status: criteria provided, single submitter (1 of 4 stars). 3 submissions from 3 submitters: Likely benign (1). 2 of the submissions do not count toward it. Last evaluated 2024-11-01.

Conditions:
ARHGEF28-related disorder. Also called: ARHGEF28-related condition.
Meniere disease. Also called: Ménière's disease. Identifiers: MedGen C0025281, MONDO:0007972, OMIM 156000.

Allele frequency attached by ClinVar (database versions not stated): gnomAD exomes 0.00053; gnomAD 0.00062; TOPMed 0.00077; ESP Exome Variant Server 0.00097; ExAC 0.00102.
gnomAD v4.1: 912 of 1,600,582 alleles (0.057%); highest among the groups gnomAD compares: South Asian, 0.029%; 5 homozygotes.

Submissions (3):

CeGaT Center for Human Genetics Tuebingen
Classification: Likely benign. Last evaluated: 2024-11-01. Review status: criteria provided, single submitter. Criteria: CeGaT Center For Human Genetics Tuebingen Variant Classification Criteria Version 2. Collection method: clinical testing. Allele origin: germline. Affected: yes. Observed: 1 variant allele.
Comment: ARHGEF28: BP4, BS2

Center for Computational Biology & Bioinformatics, University of California, San Diego
Classification: Uncertain significance for Meniere disease. Last evaluated: 2024-06-03. Review status: no assertion criteria provided. Collection method: research. Allele origin: germline. Affected: yes. Not counted in ClinVar's aggregate classification.

PreventionGenetics, part of Exact Sciences
Classification: Benign for ARHGEF28-related condition. Last evaluated: 2020-03-09. Review status: no assertion criteria provided. Collection method: clinical testing. Allele origin: germline. Not counted in ClinVar's aggregate classification.
Comment: This variant is classified as benign based on ACMG/AMP sequence variant interpretation guidelines (Richards et al. 2015 PMID: 25741868, with internal and published modifications).